The following is an entry in ClinVar:

ClinVar aggregate classification (germline): Uncertain significance (1 of 4 stars; one submission).

Submission:

GeneDx
Classification: Uncertain significance. Last evaluated: 2025-05-16. Review status: criteria provided, single submitter. Criteria: GeneDx Variant Classification Process June 2021. Collection method: clinical testing. Allele origin: germline. Affected: yes.
Comment: Not observed at significant frequency in large population cohorts (gnomAD); In silico analysis suggests that this missense variant does not alter protein structure/function; Has not been previously published as pathogenic or benign to our knowledge

NM_001242896.3(DEPDC5):c.3958C>G (p.Pro1320Ala)

Gene: DEPDC5 (DEP domain containing 5, GATOR1 subcomplex subunit; plus strand). Cytogenetic location: 22q12.3.
Variant type: single nucleotide variant.
Coding change: c.3958C>G on transcript NM_001242896.3 (MANE Select); coding-DNA position 3958, C replaced by G.
Protein change: p.Pro1320Ala; replaces proline 1320 with alanine.
Molecular consequence: missense variant. On other transcripts: non-coding transcript variant (5).
Genome position (GRCh38, 1-based): chr22:31,879,677, C>G. VCF-style: chr22-31879677-C-G. GRCh37 (hg19) VCF-style: chr22-32275663-C-G.
Other names: c.3931C>G, p.Pro1311Ala (NM_001136029.4); c.3658C>G, p.Pro1220Ala (NM_001242897.2); c.3892C>G, p.Pro1298Ala (NM_001363852.2, NM_001364320.2); c.3724C>G, p.Pro1242Ala (NM_001363854.2, NM_001364319.2); c.3958C>G, p.Pro1320Ala (NM_001364318.2); c.3874C>G, p.Pro1292Ala (NM_001369901.1, NM_001369902.1); c.3865C>G, p.Pro1289Ala (NM_001369903.1, NM_014662.6); short protein forms P1220A, P1242A, P1289A, P1292A, P1298A, P1311A, P1320A.
Identifiers: ClinVar variation 4529545 (VCV004529545.1).